The following is an entry in ClinVar:

NM_001283009.2(RTEL1):c.770A>T (p.Lys257Met)

Genes: RTEL1 (regulator of telomere elongation helicase 1; plus strand), RTEL1-TNFRSF6B (RTEL1-TNFRSF6B readthrough (NMD candidate); plus strand). Cytogenetic location: 20q13.33.
Variant type: single nucleotide variant.
Coding change: c.770A>T on transcript NM_001283009.2 (MANE Select); coding-DNA position 770, A replaced by T.
Protein change: p.Lys257Met; replaces lysine 257 with methionine.
Molecular consequence: missense variant. On other transcripts: non-coding transcript variant (1).
Genome position (GRCh38, 1-based): chr20:63,673,944, A>T. VCF-style: chr20-63673944-A-T. GRCh37 (hg19) VCF-style: chr20-62305297-A-T.
Other names: c.101A>T, p.Lys34Met (NM_001283010.1); c.770A>T, p.Lys257Met (NM_016434.4); c.842A>T, p.Lys281Met (NM_032957.5); short protein forms K281M, K257M, K34M.
Identifiers: ClinVar variation 3948319 (VCV003948319.1).

ClinVar aggregate classification (germline): Uncertain significance (1 of 4 stars; one submission).

Conditions:
Inborn genetic diseases. Identifiers: MedGen C0950123, MeSH D030342.

Submission:

Ambry Genetics
Classification: Uncertain significance for Inborn genetic diseases. Last evaluated: 2025-04-11. Review status: criteria provided, single submitter. Criteria: Ambry Variant Classification Scheme 2023. Collection method: clinical testing. Allele origin: germline.
Comment: The p.K257M variant (also known as c.770A>T), located in coding exon 9 of the RTEL1 gene, results from an A to T substitution at nucleotide position 770. The lysine at codon 257 is replaced by methionine, an amino acid with similar properties. This amino acid position is conserved. In addition, the in silico prediction for this alteration is inconclusive. Based on the available evidence, the clinical significance of this variant remains unclear.